The following is an entry in ClinVar:

NM_002691.4(POLD1):c.764T>C (p.Met255Thr)

Gene: POLD1 (DNA polymerase delta 1, catalytic subunit; plus strand). Cytogenetic location: 19q13.33.
Variant type: single nucleotide variant.
Coding change: c.764T>C on transcript NM_002691.4 (MANE Select); coding-DNA position 764, T replaced by C.
Protein change: p.Met255Thr; replaces methionine 255 with threonine.
Molecular consequence: missense variant. On other transcripts: non-coding transcript variant (1).
Genome position (GRCh38, 1-based): chr19:50,402,459, T>C. VCF-style: chr19-50402459-T-C. GRCh37 (hg19) VCF-style: chr19-50905716-T-C.
Other names: c.764T>C, p.Met255Thr (NM_001256849.1, NM_001308632.1); short protein forms M255T.
Identifiers: ClinVar variation 2561584 (VCV002561584.5), dbSNP rs2513965817, ClinGen allele CA406974779.

ClinVar aggregate classification (germline): Uncertain significance. Review status: criteria provided, multiple submitters, no conflicts (2 of 4 stars). 2 submissions from 2 submitters: Uncertain significance (2). Last evaluated 2024-02-02.

Conditions:
POLD1-related polyposis and colorectal cancer syndrome (CRCS10). Also called: Colorectal cancer, susceptibility to, 10; Colorectal cancer 10; COLORECTAL CANCER, SUSCEPTIBILITY TO, ON CHROMOSOME 19q. Identifiers: Orphanet 220460, MedGen C2675481, MONDO:0012953, OMIM 612591.
Hereditary cancer-predisposing syndrome. Also called: Hereditary Cancer Syndrome; Hereditary neoplastic syndrome; Neoplastic Syndromes, Hereditary; Tumor predisposition. Identifiers: Orphanet 140162, MedGen C0027672, MeSH D009386, MONDO:0015356.

Allele frequency attached by ClinVar (database versions not stated): gnomAD exomes below 0.00001.
gnomAD v4.1: 1 of 1,612,960 alleles (0.000062%); highest among the groups gnomAD compares: African/African-American, 0.0013%; no homozygotes.

Submissions (2):

Labcorp Genetics (formerly Invitae), Labcorp
Classification: Uncertain significance for POLD1-related polyposis and colorectal cancer syndrome. Last evaluated: 2024-02-02. Review status: criteria provided, single submitter. Criteria: Invitae Variant Classification Sherloc (09022015). Collection method: clinical testing. Allele origin: germline.
Comment: This sequence change replaces methionine, which is neutral and non-polar, with threonine, which is neutral and polar, at codon 255 of the POLD1 protein (p.Met255Thr). This variant is not present in population databases (gnomAD no frequency). This variant has not been reported in the literature in individuals affected with POLD1-related conditions. ClinVar contains an entry for this variant (Variation ID: 2561584). Advanced modeling of protein sequence and biophysical properties (such as structural, functional, and spatial information, amino acid conservation, physicochemical variation, residue mobility, and thermodynamic stability) has been performed at Invitae for this missense variant, however the output from this modeling did not meet the statistical confidence thresholds required to predict the impact of this variant on POLD1 protein function. In summary, the available evidence is currently insufficient to determine the role of this variant in disease. Therefore, it has been classified as a Variant of Uncertain Significance.

Ambry Genetics
Classification: Uncertain significance for Hereditary cancer-predisposing syndrome. Last evaluated: 2023-05-21. Review status: criteria provided, single submitter. Criteria: Ambry Variant Classification Scheme 2023. Collection method: clinical testing. Allele origin: germline.
Comment: The p.M255T variant (also known as c.764T>C), located in coding exon 6 of the POLD1 gene, results from a T to C substitution at nucleotide position 764. The methionine at codon 255 is replaced by threonine, an amino acid with similar properties. This amino acid position is conserved. In addition, the in silico prediction for this alteration is inconclusive. Since supporting evidence is limited at this time, the clinical significance of this alteration remains unclear.